The following is an entry in ClinVar:

ClinVar aggregate classification (germline): Conflicting classifications of pathogenicity. Review status: criteria provided, conflicting classifications (1 of 4 stars). 4 submissions from 4 submitters: Uncertain significance (3); Likely benign (1). Last evaluated 2025-07-10.

Conditions:
Catecholaminergic polymorphic ventricular tachycardia (CVPT). Also called: Catecholamine-induced polymorphic ventricular tachycardia. Identifiers: Orphanet 3286, MedGen C5574922, MONDO:0017990.
Cardiomyopathy (CMYO). Also called: Cardiomyopathies. Identifiers: Orphanet 167848, MedGen C0878544, MONDO:0004994, HP:0001638. Inheritance: Various modes of inheritance.
Catecholaminergic polymorphic ventricular tachycardia 1. Also called: RYR2-Related Catecholaminergic Polymorphic Ventricular Tachycardia; VENTRICULAR TACHYCARDIA, CATECHOLAMINERGIC POLYMORPHIC, 1, WITH OR WITHOUT ATRIAL DYSFUNCTION AND/OR DILATED CARDIOMYOPATHY; VENTRICULAR TACHYCARDIA, STRESS-INDUCED POLYMORPHIC 1. Identifiers: Orphanet 3286, MedGen C1631597, MONDO:0011484, OMIM 604772.

Allele frequency attached by ClinVar (database versions not stated): ExAC 0.00001; gnomAD 0.00001; gnomAD exomes 0.00001; 1000 Genomes Project 30x 0.00016; 1000 Genomes Project 0.00020.
gnomAD v4.1: 5 of 1,613,606 alleles (0.00031%); highest among the groups gnomAD compares: East Asian, 0.0022%; no homozygotes.

Submissions (4):

Color Diagnostics, LLC DBA Color Health
Classification: Uncertain significance for Cardiomyopathy. Last evaluated: 2025-07-10. Review status: criteria provided, single submitter. Criteria: ACMG Guidelines, 2015. Collection method: clinical testing. Allele origin: germline.
Comment: This missense variant replaces arginine with glutamine at codon 520 of the RYR2 protein. Computational prediction suggests that this variant may not impact protein structure and function. To our knowledge, functional studies have not been reported for this variant. This variant has not been reported in individuals affected with RYR2-related disorders in the literature. This variant has been identified in 2/248670 chromosomes in the general population by the Genome Aggregation Database (gnomAD). The available evidence is insufficient to determine the role of this variant in disease conclusively. Therefore, this variant is classified as a Variant of Uncertain Significance.

All of Us Research Program, National Institutes of Health
Classification: Uncertain significance for Catecholaminergic polymorphic ventricular tachycardia. Last evaluated: 2023-11-30. Review status: criteria provided, single submitter. Criteria: ACMG Guidelines, 2015. Collection method: clinical testing. Allele origin: germline. Inheritance: Autosomal dominant inheritance. Observed: 2 variant alleles, 2 heterozygotes.
Comment: This missense variant replaces arginine with glutamine at codon 520 of the RYR2 protein. Computational prediction suggests that this variant may not impact protein structure and function (internally defined REVEL score threshold <= 0.5, PMID: 27666373). To our knowledge, functional studies have not been reported for this variant. This variant has not been reported in individuals affected with RYR2-related disorders in the literature. This variant has been identified in 2/248670 chromosomes in the general population by the Genome Aggregation Database (gnomAD). The available evidence is insufficient to determine the role of this variant in disease conclusively. Therefore, this variant is classified as a Variant of Uncertain Significance.

This study involves interpretation of variants in research participants for the purpose of population health screening. Participant phenotype was not available at the time of variant classification. Additional details can be found in publication PMID: 35346344, PMCID: PMC8962531

Blueprint Genetics
Classification: Likely benign. Last evaluated: 2022-11-15. Review status: criteria provided, single submitter. Criteria: ACMG Guidelines, 2015. Collection method: clinical testing. Allele origin: germline.

Labcorp Genetics (formerly Invitae), Labcorp
Classification: Uncertain significance for Catecholaminergic polymorphic ventricular tachycardia 1. Last evaluated: 2021-08-03. Review status: criteria provided, single submitter. Criteria: Invitae Variant Classification Sherloc (09022015). Collection method: clinical testing. Allele origin: germline.
Comment: In summary, the available evidence is currently insufficient to determine the role of this variant in disease. Therefore, it has been classified as a Variant of Uncertain Significance. Advanced modeling of protein sequence and biophysical properties (such as structural, functional, and spatial information, amino acid conservation, physicochemical variation, residue mobility, and thermodynamic stability) performed at Invitae indicates that this missense variant is not expected to disrupt RYR2 protein function. This variant has not been reported in the literature in individuals affected with RYR2-related conditions. This variant is present in population databases (rs564957172, ExAC 0.01%). This sequence change replaces arginine with glutamine at codon 520 of the RYR2 protein (p.Arg520Gln). The arginine residue is highly conserved and there is a small physicochemical difference between arginine and glutamine.

NM_001035.3(RYR2):c.1559G>A (p.Arg520Gln)

Gene: RYR2 (ryanodine receptor 2; plus strand). Cytogenetic location: 1q43.
Variant type: single nucleotide variant.
Coding change: c.1559G>A on transcript NM_001035.3 (MANE Select); coding-DNA position 1559, G replaced by A.
Protein change: p.Arg520Gln; replaces arginine 520 with glutamine.
Molecular consequence: missense variant.
Genome position (GRCh38, 1-based): chr1:237,456,682, G>A. VCF-style: chr1-237456682-G-A. GRCh37 (hg19) VCF-style: chr1-237619982-G-A.
Other names: short protein forms R520Q.
Identifiers: ClinVar variation 1427277 (VCV001427277.47), dbSNP rs564957172, ClinGen allele CA085808.
Genomic context (GRCh38, chr1:237,456,682, plus strand): 5'-AGTGCATAGACCGTTTGCACGTCTACAGCAGTGCAGCACACTTTGCTGATGTTGCTGGGC[G>A]AGAAGCAGGAGAGTCTTGGAAATCCATTCTGAATTCTCTGTATGAGTTGCTGGGTAAGAA-3'
Protein context (NP_001026.2, residues 510-530): SAAHFADVAG[Arg520Gln]EAGESWKSIL